The following is an entry in ClinVar:

NM_004699.4(FAM50A):c.67A>C (p.Lys23Gln)

Gene: FAM50A (family with sequence similarity 50 member A; plus strand). Cytogenetic location: Xq28.
Variant type: single nucleotide variant.
Coding change: c.67A>C on transcript NM_004699.4 (MANE Select); coding-DNA position 67, A replaced by C.
Protein change: p.Lys23Gln; replaces lysine 23 with glutamine.
Molecular consequence: missense variant.
Genome position (GRCh38, 1-based): chrX:154,444,302, A>C. VCF-style: chrX-154444302-A-C. GRCh37 (hg19) VCF-style: chrX-153672649-A-C.
Other names: short protein forms K23Q.
Identifiers: ClinVar variation 3252745 (VCV003252745.1), dbSNP rs2523037262.

ClinVar aggregate classification (germline): Uncertain significance (1 of 4 stars; one submission).

Submission:

GeneDx
Classification: Uncertain significance. Last evaluated: 2023-10-05. Review status: criteria provided, single submitter. Criteria: GeneDx Variant Classification Process June 2021. Collection method: clinical testing. Allele origin: germline. Affected: yes.
Comment: Not observed at significant frequency in large population cohorts (gnomAD); In silico analysis supports that this missense variant does not alter protein structure/function; Has not been previously published as pathogenic or benign to our knowledge